The following is an entry in ClinVar:

NM_000138.5(FBN1):c.5911T>G (p.Cys1971Gly)

Gene: FBN1 (fibrillin 1; minus strand). Cytogenetic location: 15q21.1.
Variant type: single nucleotide variant.
Coding change: c.5911T>G on transcript NM_000138.5 (MANE Select); coding-DNA position 5911, T replaced by G.
Protein change: p.Cys1971Gly; replaces cysteine 1971 with glycine.
Molecular consequence: missense variant.
Genome position (GRCh38, 1-based): chr15:48,445,382, A>C on the plus strand (T>G on the coding strand, the complement: FBN1 is on the minus strand). VCF-style: chr15-48445382-A-C. GRCh37 (hg19) VCF-style: chr15-48737579-A-C.
Other names: short protein forms C1971G.
Identifiers: ClinVar variation 549315 (VCV000549315.2), dbSNP rs1555395745, ClinGen allele CA392339931.

ClinVar aggregate classification (germline): Likely pathogenic. Review status: criteria provided, single submitter (1 of 4 stars). 2 submissions from 2 submitters: Likely pathogenic (1). 1 of the submissions does not count toward it. Last evaluated 2020-10-13.

Conditions:
Marfan syndrome (MFS). Also called: Marfan syndrome type 1; Marfan syndrome, classic; Marfan's syndrome; FBN1-Related Marfan Syndrome; MARFAN SYNDROME, TYPE I. Identifiers: Orphanet 284963, Orphanet 558, MedGen C0024796, MONDO:0007947, OMIM 154700.

Submissions (2):

Clinical Genetics Laboratory, Region Ostergotland
Classification: Likely pathogenic for Marfan syndrome. Last evaluated: 2020-10-13. Review status: criteria provided, single submitter. Criteria: ACMG Guidelines, 2015. Collection method: clinical testing. Allele origin: germline. Affected: yes.
Comment: PM1, PM2, PM5

Center for Medical Genetics Ghent, University of Ghent
Classification: Likely pathogenic for Marfan syndrome. Last evaluated: 2017-11-07. Review status: no assertion criteria provided. Collection method: clinical testing. Allele origin: germline. Affected: yes. Not counted in ClinVar's aggregate classification.